The following is an entry in ClinVar:

ClinVar aggregate classification (germline): Uncertain significance (1 of 4 stars; one submission).

Submission:

Labcorp Genetics (formerly Invitae), Labcorp
Classification: Uncertain significance. Last evaluated: 2022-07-04. Review status: criteria provided, single submitter. Criteria: Invitae Variant Classification Sherloc (09022015). Collection method: clinical testing. Allele origin: germline.
Comment: In summary, the available evidence is currently insufficient to determine the role of this variant in disease. Therefore, it has been classified as a Variant of Uncertain Significance. Algorithms developed to predict the effect of missense changes on protein structure and function are either unavailable or do not agree on the potential impact of this missense change (SIFT: "Deleterious"; PolyPhen-2: "Probably Damaging"; Align-GVGD: "Class C0"). This variant has not been reported in the literature in individuals affected with OBSL1-related conditions. This variant is not present in population databases (gnomAD no frequency). This sequence change replaces proline, which is neutral and non-polar, with serine, which is neutral and polar, at codon 157 of the OBSL1 protein (p.Pro157Ser).

NM_015311.3(OBSL1):c.469C>T (p.Pro157Ser)

Gene: OBSL1 (obscurin like cytoskeletal adaptor 1; minus strand). Cytogenetic location: 2q35.
Variant type: single nucleotide variant.
Coding change: c.469C>T on transcript NM_015311.3 (MANE Select); coding-DNA position 469, C replaced by T.
Protein change: p.Pro157Ser; replaces proline 157 with serine.
Molecular consequence: missense variant.
Genome position (GRCh38, 1-based): chr2:219,570,764, G>A on the plus strand (C>T on the coding strand, the complement: OBSL1 is on the minus strand). VCF-style: chr2-219570764-G-A. GRCh37 (hg19) VCF-style: chr2-220435486-G-A.
Other names: c.469C>T, p.Pro157Ser (NM_001173408.2, NM_001173431.2); short protein forms P157S.
Identifiers: ClinVar variation 2014055 (VCV002014055.4), dbSNP rs2469099756, ClinGen allele CA350765351.